The following is an entry in ClinVar:

ClinVar aggregate classification (germline): Uncertain significance. Review status: criteria provided, multiple submitters, no conflicts (2 of 4 stars). 3 submissions from 3 submitters: Uncertain significance (2). 1 of the submissions does not count toward it. Last evaluated 2025-08-25.

Conditions:
AP3D1-related disorder. Also called: AP3D1-related condition.
Inborn genetic diseases. Identifiers: MedGen C0950123, MeSH D030342.

Allele frequency attached by ClinVar (database versions not stated): gnomAD exomes 0.00001 and 0.00002; ExAC 0.00002; gnomAD 0.00004; ESP Exome Variant Server 0.00008.
gnomAD v4.1: 18 of 1,612,738 alleles (0.0011%); highest among the groups gnomAD compares: African/African-American, 0.0053%; no homozygotes.

Submissions (3):

Ambry Genetics
Classification: Uncertain significance for Inborn genetic diseases. Last evaluated: 2025-08-25. Review status: criteria provided, single submitter. Criteria: Ambry Variant Classification Scheme 2023. Collection method: clinical testing. Allele origin: germline.

Labcorp Genetics (formerly Invitae), Labcorp
Classification: Uncertain significance. Last evaluated: 2025-08-14. Review status: criteria provided, single submitter. Criteria: Invitae Variant Classification Sherloc (09022015). Collection method: clinical testing. Allele origin: germline.
Comment: This sequence change replaces lysine, which is basic and polar, with arginine, which is basic and polar, at codon 1088 of the AP3D1 protein (p.Lys1088Arg). This variant is present in population databases (rs199895376, gnomAD 0.02%). This variant has not been reported in the literature in individuals affected with AP3D1-related conditions. ClinVar contains an entry for this variant (Variation ID: 1466380). An algorithm developed to predict the effect of missense changes on protein structure and function (PolyPhen-2) suggests that this variant is likely to be disruptive. In summary, the available evidence is currently insufficient to determine the role of this variant in disease. Therefore, it has been classified as a Variant of Uncertain Significance.

PreventionGenetics, part of Exact Sciences
Classification: Uncertain significance for AP3D1-related condition. Last evaluated: 2024-04-26. Review status: no assertion criteria provided. Collection method: clinical testing. Allele origin: germline. Not counted in ClinVar's aggregate classification.
Comment: The AP3D1 c.3263A>G variant is predicted to result in the amino acid substitution p.Lys1088Arg. To our knowledge, this variant has not been reported in the literature. This variant is reported in 0.0083% of alleles in individuals of African descent in gnomAD. At this time, the clinical significance of this variant is uncertain due to the absence of conclusive functional and genetic evidence.

NM_001261826.3(AP3D1):c.3263A>G (p.Lys1088Arg)

Gene: AP3D1 (adaptor related protein complex 3 subunit delta 1; minus strand). Cytogenetic location: 19p13.3.
Variant type: single nucleotide variant.
Coding change: c.3263A>G on transcript NM_001261826.3 (MANE Select); coding-DNA position 3263, A replaced by G.
Protein change: p.Lys1088Arg; replaces lysine 1088 with arginine.
Molecular consequence: missense variant.
Genome position (GRCh38, 1-based): chr19:2,110,137, T>C on the plus strand (A>G on the coding strand, the complement: AP3D1 is on the minus strand). VCF-style: chr19-2110137-T-C. GRCh37 (hg19) VCF-style: chr19-2110136-T-C.
Other names: c.3263A>G (NM_001261826.1); c.3227A>G, p.Lys1076Arg (NM_001374799.1); c.3077A>G, p.Lys1026Arg (NM_003938.8); c.3077A>G (NM_003938.5); short protein forms K1076R, K1088R, K1026R.
Identifiers: ClinVar variation 1466380 (VCV001466380.10), dbSNP rs199895376, ClinGen allele CA9058498.